The following is an entry in ClinVar:

NM_013275.6(ANKRD11):c.4333_4336del (p.Leu1445fs)

Gene: ANKRD11 (ankyrin repeat domain 11; minus strand). Cytogenetic location: 16q24.3.
Variant type: Deletion.
Coding change: c.4333_4336del on transcript NM_013275.6 (MANE Select); coding-DNA positions 4333 to 4336, 4 bases deleted (CTAA; older notation c.4333_4336delCTAA).
Protein change: p.Leu1445fs; shifts the reading frame from leucine 1445.
Molecular consequence: frameshift variant.
Genome position (GRCh38, 1-based): chr16:89,282,206-89,282,209, TTAG deleted on the plus strand (CTAA on the coding strand, the reverse complement: ANKRD11 is on the minus strand); deleting any 4 consecutive bases within chr16:89,282,206-89,282,211 gives the same sequence; the c. name uses the placement nearest the transcript's 3' end. VCF-style (leftmost placement, unchanged base first): chr16-89282205-TTTAG-T. GRCh37 (hg19) VCF-style: chr16-89348613-TTTAG-T.
Other names: c.4333_4336del, p.Leu1445fs (NM_001256182.2, NM_001256183.2); short protein forms L1445fs.
Identifiers: ClinVar variation 2664987 (VCV002664987.2), dbSNP rs2544233287, ClinGen allele CA2695201160.

ClinVar aggregate classification (germline): Likely pathogenic (1 of 4 stars; one submission).

Conditions:
KBG syndrome (KBGS). Also called: ANKRD11-Related KBG Syndrome. Identifiers: Orphanet 2332, MedGen C0220687, MONDO:0007846, OMIM 148050.

Submission:

Institute of Human Genetics, University of Leipzig Medical Center
Classification: Likely pathogenic for KBG syndrome. Last evaluated: 2023-11-29. Review status: criteria provided, single submitter. Criteria: ACMG Guidelines, 2015. Collection method: clinical testing. Allele origin: unknown. Inheritance: Autosomal dominant inheritance. Affected: yes.
Comment: Criteria applied: PVS1,PM2_SUP